The following is an entry in ClinVar:

NM_007118.4(TRIO):c.4343G>A (p.Gly1448Glu)

Gene: TRIO (trio Rho guanine nucleotide exchange factor; plus strand). Cytogenetic location: 5p15.2.
Variant type: single nucleotide variant.
Coding change: c.4343G>A on transcript NM_007118.4 (MANE Select); coding-DNA position 4343, G replaced by A.
Protein change: p.Gly1448Glu; replaces glycine 1448 with glutamic acid.
Molecular consequence: missense variant. On other transcripts: non-coding transcript variant (1).
Genome position (GRCh38, 1-based): chr5:14,397,074, G>A. VCF-style: chr5-14397074-G-A. GRCh37 (hg19) VCF-style: chr5-14397183-G-A.
Other names: short protein forms G1448E.
Identifiers: ClinVar variation 3061906 (VCV003061906.1), dbSNP rs2532946460, ClinGen allele CA359233568.

ClinVar aggregate classification (germline): Likely pathogenic (1 of 4 stars; one submission).

Conditions:
Intellectual developmental disorder, autosomal dominant 44, with microcephaly. Also called: TRIO-Related Intellectual Disability; Micrognathia-recurrent infections-behavioral abnormalities-mild intellectual disability syndrome. Identifiers: Orphanet 476126, MedGen C4310740, MONDO:0014892, OMIM 617061.

Submission:

MVZ Medizinische Genetik Mainz
Classification: Likely pathogenic for Intellectual developmental disorder, autosomal dominant 44, with microcephaly. Last evaluated: 2023-08-24. Review status: criteria provided, single submitter. Criteria: UK Practice Guidelines For Variant Classification V4 01 2020. Collection method: clinical testing. Allele origin: germline. Inheritance: Autosomal dominant inheritance. Affected: yes. Observed: 1 variant allele.
Comment: PM1,PM2_SUP,PM5_SUP,PP2